The following is an entry in ClinVar:

NM_001849.4(COL6A2):c.874G>C (p.Gly292Arg)

Gene: COL6A2 (collagen type VI alpha 2 chain; plus strand). Cytogenetic location: 21q22.3.
Variant type: single nucleotide variant.
Coding change: c.874G>C on transcript NM_001849.4 (MANE Select); coding-DNA position 874, G replaced by C.
Protein change: p.Gly292Arg; replaces glycine 292 with arginine.
Molecular consequence: missense variant.
Genome position (GRCh38, 1-based): chr21:46,116,027, G>C. VCF-style: chr21-46116027-G-C. GRCh37 (hg19) VCF-style: chr21-47535941-G-C.
Other names: c.874G>C, p.Gly292Arg (NM_058174.3, NM_058175.3); short protein forms G292R.
Identifiers: ClinVar variation 476496 (VCV000476496.9), dbSNP rs727502828, ClinGen allele CA410525191.
Genomic context (GRCh38, chr21:46,116,027, plus strand): 5'-CGCCCCAGGGCTGGGCTCACACTGCTGCGTTGTCCTTCACAGGGAGACCCGGGCATCGAA[G>C]GCCCCATTGGATTCCCAGGACCCAAGGTGAGTGACCTCGGCCAGGGGCTTGGCTCCACCC-3'
Protein context (NP_001840.3, residues 282-302): KGRQGDPGIE[Gly292Arg]PIGFPGPKGV

ClinVar aggregate classification (germline): Pathogenic (1 of 4 stars; one submission).

Conditions:
Bethlem myopathy 1A. Also called: Bethlem Muscular Dystrophy; MYOPATHY, BENIGN CONGENITAL, WITH CONTRACTURES; Bethlem myopathy 1. Identifiers: Orphanet 610, MedGen CN029274, MONDO:0024530, OMIM 158810.

Submission:

Labcorp Genetics (formerly Invitae), Labcorp
Classification: Pathogenic for Bethlem myopathy 1A. Last evaluated: 2022-04-08. Review status: criteria provided, single submitter. Criteria: Invitae Variant Classification Sherloc (09022015). Collection method: clinical testing. Allele origin: germline.
Comment: This sequence change replaces glycine, which is neutral and non-polar, with arginine, which is basic and polar, at codon 292 of the COL6A2 protein (p.Gly292Arg). This variant is not present in population databases (gnomAD no frequency). This variant has not been reported in the literature in individuals affected with COL6A2-related conditions. ClinVar contains an entry for this variant (Variation ID: 476496). Advanced modeling of protein sequence and biophysical properties (such as structural, functional, and spatial information, amino acid conservation, physicochemical variation, residue mobility, and thermodynamic stability) performed at Invitae indicates that this missense variant is expected to disrupt COL6A2 protein function. This variant disrupts the triple helix domain of COL6A2. Glycine residues within the Gly-Xaa-Yaa repeats of the triple helix domain are required for the structure and stability of fibrillar collagens (PMID: 7695699, 8218237, 19344236). In COL6A2, missense variants at these glycine residues are significantly enriched in individuals with autosomal dominant disease (PMID: 15689448, 24038877) compared to the general population (ExAC). For these reasons, this variant has been classified as Pathogenic.

Literature cited by the submitters: PubMed 7695699; PubMed 8218237; PubMed 19344236; PubMed 15689448; PubMed 24038877.